The following is an entry in ClinVar:

ClinVar aggregate classification (germline): Pathogenic (1 of 4 stars; one submission).

Submission:

GeneDx
Classification: Pathogenic. Last evaluated: 2014-06-01. Review status: criteria provided, single submitter. Criteria: GeneDx Variant Classification (06012015). Collection method: clinical testing. Allele origin: germline. Affected: yes.
Comment: c.1148-2 A>C: IVS10-2 A>C in intron 10 of the FBN1 gene (NM_000138.4) Although the c.1148-2 A>C mutation has not been reported as a disease-causing mutation or as a benign polymorphism to our knowledge, this mutation destroys the canonical splice acceptor site in intron 10 and is predicted to cause abnormal gene splicing. The mutation is predicted to lead to either an abnormal message that is subject to nonsense-mediated mRNA decay, or to an abnormal protein product if the message is used for protein translation. Other splice site mutations in the FBN1 gene have been reported in association with Marfan syndrome. Specifically, Comeglio et al., 2007, described a previously unreported c.1148-2 A>G mutation in a child with Marfan syndrome. In summary, c.1148-2 A>C in the FBN1 gene is interpreted as a disease-causing mutation. The variant is found in TAAD panel(s).

NM_000138.5(FBN1):c.1148-2A>C

Gene: FBN1 (fibrillin 1; minus strand). Cytogenetic location: 15q21.1.
Variant type: single nucleotide variant.
Coding change: c.1148-2A>C on transcript NM_000138.5 (MANE Select); the canonical splice acceptor site of the intron before coding-DNA position 1148, A replaced by C.
Molecular consequence: splice acceptor variant.
Genome position (GRCh38, 1-based): chr15:48,516,364, T>G on the plus strand (A>C on the coding strand, the complement: FBN1 is on the minus strand). VCF-style: chr15-48516364-T-G. GRCh37 (hg19) VCF-style: chr15-48808561-T-G.
Other names: c.1148-2A>C (NM_001406716.1).
Identifiers: ClinVar variation 199965 (VCV000199965.2), dbSNP rs397515756, ClinGen allele CA011972.